The following is an entry in ClinVar:

ClinVar aggregate classification (germline): Benign/Likely benign. Review status: criteria provided, multiple submitters, no conflicts (2 of 4 stars). 3 submissions from 3 submitters: Benign (1); Likely benign (2). Last evaluated 2026-08-05.

Conditions:
Hereditary cancer-predisposing syndrome. Also called: Hereditary neoplastic syndrome; Neoplastic Syndromes, Hereditary; Tumor predisposition; Hereditary Cancer Syndrome. Identifiers: Orphanet 140162, MedGen C0027672, MeSH D009386, MONDO:0015356.
Hereditary pheochromocytoma and paraganglioma. Also called: Hereditary pheochromocytoma-paraganglioma; Hereditary paragangliomas and pheochromocytomas; Hereditary Paraganglioma-Pheochromocytoma Syndromes. Identifiers: Orphanet 29072, MedGen C4274332, MONDO:0017366.
Pheochromocytoma/paraganglioma syndrome 2. Also called: SDHAF2-Related Hereditary Paraganglioma-Pheochromocytoma Syndrome (Paragangliomas 2); SDHAF2-Related Hereditary Paraganglioma-Pheochromocytoma Syndrome; GLOMUS TUMORS, FAMILIAL, 2; Paragangliomas 2. Identifiers: Orphanet 29072, MedGen C1866552, MONDO:0011121, OMIM 601650.

Allele frequency attached by ClinVar (database versions not stated): ExAC 0.00002; gnomAD exomes below 0.00001 and 0.00001.
gnomAD v4.1: 4 of 1,614,070 alleles (0.00025%); highest among the groups gnomAD compares: South Asian, 0.0044%; no homozygotes.

Submissions (3):

Myriad Genetics, Inc.
Classification: Benign for Pheochromocytoma/paraganglioma syndrome 2. Last evaluated: 2026-08-05. Review status: criteria provided, single submitter. Criteria: Myriad Autosomal Dominant, Autosomal Recessive and X-Linked Classification Criteria (2023). Collection method: clinical testing. Allele origin: unknown.
Comment: This variant is considered benign. This variant is a silent/synonymous amino acid change and it is not expected to impact splicing.

Labcorp Genetics (formerly Invitae), Labcorp
Classification: Likely benign for Hereditary pheochromocytoma and paraganglioma. Last evaluated: 2024-01-04. Review status: criteria provided, single submitter. Criteria: Invitae Variant Classification Sherloc (09022015). Collection method: clinical testing. Allele origin: germline.

Ambry Genetics
Classification: Likely benign for Hereditary cancer-predisposing syndrome. Last evaluated: 2020-02-14. Review status: criteria provided, single submitter. Criteria: Ambry Variant Classification Scheme 2023. Collection method: clinical testing. Allele origin: germline.

NM_017841.4(SDHAF2):c.321C>T (p.Arg107=)

Gene: SDHAF2 (succinate dehydrogenase complex assembly factor 2; plus strand). Cytogenetic location: 11q12.2.
Variant type: single nucleotide variant.
Coding change: c.321C>T on transcript NM_017841.4 (MANE Select); coding-DNA position 321, C replaced by T.
Protein change: p.Arg107=; no amino-acid change (arginine 107 retained).
Molecular consequence: synonymous variant.
Genome position (GRCh38, 1-based): chr11:61,438,064, C>T. VCF-style: chr11-61438064-C-T. GRCh37 (hg19) VCF-style: chr11-61205536-C-T.
Identifiers: ClinVar variation 774771 (VCV000774771.14), dbSNP rs754291669, ClinGen allele CA058459.